The following is an entry in ClinVar:

NM_000388.4(CASR):c.1084G>A (p.Glu362Lys)

Gene: CASR (calcium sensing receptor; plus strand). Cytogenetic location: 3q21.1.
Variant type: single nucleotide variant.
Coding change: c.1084G>A on transcript NM_000388.4 (MANE Select); coding-DNA position 1084, G replaced by A.
Protein change: p.Glu362Lys; replaces glutamic acid 362 with lysine.
Molecular consequence: missense variant.
Genome position (GRCh38, 1-based): chr3:122,262,119, G>A. VCF-style: chr3-122262119-G-A. GRCh37 (hg19) VCF-style: chr3-121980966-G-A.
Other names: c.1084G>A (NM_000388.3); c.1084G>A, p.Glu362Lys (NM_001178065.2); short protein forms E362K.
Identifiers: ClinVar variation 1430315 (VCV001430315.9), dbSNP rs2107632864, ClinGen allele CA354152555.

ClinVar aggregate classification (germline): Uncertain significance. Review status: criteria provided, multiple submitters, no conflicts (2 of 4 stars). 2 submissions from 2 submitters: Uncertain significance (2). Last evaluated 2023-11-24.

Conditions:
Familial hypocalciuric hypercalcemia (FHH). Also called: Familial benign hypercalcemia. Identifiers: Orphanet 405, MedGen C1809471, MONDO:0018458.
Autosomal dominant hypocalcemia 1 (HYPOC1). Also called: HYPOCALCEMIA, FAMILIAL. Identifiers: MedGen C3715128, MONDO:0011013, OMIM 601198.
Nephrolithiasis/nephrocalcinosis. Identifiers: MedGen CN580796.

Allele frequency attached by ClinVar (database versions not stated): gnomAD exomes below 0.00001.
gnomAD v4.1: 2 of 1,614,196 alleles (0.00012%); highest among the groups gnomAD compares: South Asian, 0.0022%; no homozygotes.

Submissions (2):

Ambry Genetics
Classification: Uncertain significance for Nephrolithiasis/nephrocalcinosis. Last evaluated: 2023-11-24. Review status: criteria provided, single submitter. Criteria: Ambry Variant Classification Scheme 2023. Collection method: clinical testing. Allele origin: germline.
Comment: The p.E362K variant (also known as c.1084G>A), located in coding exon 3 of the CASR gene, results from a G to A substitution at nucleotide position 1084. The glutamic acid at codon 362 is replaced by lysine, an amino acid with similar properties. This amino acid position is conserved. In addition, the in silico prediction for this alteration is inconclusive. Since supporting evidence is limited at this time, the clinical significance of this alteration remains unclear.

Labcorp Genetics (formerly Invitae), Labcorp
Classification: Uncertain significance for Familial hypocalciuric hypercalcemia; Autosomal dominant hypocalcemia 1. Last evaluated: 2023-09-01. Review status: criteria provided, single submitter. Criteria: Invitae Variant Classification Sherloc (09022015). Collection method: clinical testing. Allele origin: germline.
Comment: In summary, the available evidence is currently insufficient to determine the role of this variant in disease. Therefore, it has been classified as a Variant of Uncertain Significance. An algorithm developed to predict the effect of missense changes on protein structure and function (PolyPhen-2) suggests that this variant is likely to be tolerated. ClinVar contains an entry for this variant (Variation ID: 1430315). This variant has not been reported in the literature in individuals affected with CASR-related conditions. This variant is not present in population databases (gnomAD no frequency). This sequence change replaces glutamic acid, which is acidic and polar, with lysine, which is basic and polar, at codon 362 of the CASR protein (p.Glu362Lys).